The following is an entry in ClinVar:

ClinVar aggregate classification (germline): Uncertain significance (1 of 4 stars; one submission).

Conditions:
Tuberous sclerosis 2 (TSC2). Identifiers: Orphanet 805, MedGen C1860707, MONDO:0013199, OMIM 613254.

Submission:

Labcorp Genetics (formerly Invitae), Labcorp
Classification: Uncertain significance for Tuberous sclerosis 2. Last evaluated: 2023-02-27. Review status: criteria provided, single submitter. Criteria: Invitae Variant Classification Sherloc (09022015). Collection method: clinical testing. Allele origin: germline.
Comment: In summary, the available evidence is currently insufficient to determine the role of this variant in disease. Therefore, it has been classified as a Variant of Uncertain Significance. Advanced modeling of protein sequence and biophysical properties (such as structural, functional, and spatial information, amino acid conservation, physicochemical variation, residue mobility, and thermodynamic stability) has been performed at Invitae for this missense variant, however the output from this modeling did not meet the statistical confidence thresholds required to predict the impact of this variant on TSC2 protein function. This variant has not been reported in the literature in individuals affected with TSC2-related conditions. This variant is not present in population databases (gnomAD no frequency). This sequence change replaces glycine, which is neutral and non-polar, with arginine, which is basic and polar, at codon 1654 of the TSC2 protein (p.Gly1654Arg).

NM_000548.5(TSC2):c.4960G>C (p.Gly1654Arg)

Gene: TSC2 (TSC complex subunit 2; plus strand). Cytogenetic location: 16p13.3.
Variant type: single nucleotide variant.
Coding change: c.4960G>C on transcript NM_000548.5 (MANE Select); coding-DNA position 4960, G replaced by C.
Protein change: p.Gly1654Arg; replaces glycine 1654 with arginine.
Molecular consequence: missense variant. On other transcripts: non-coding transcript variant (5).
Genome position (GRCh38, 1-based): chr16:2,086,842, G>C. VCF-style: chr16-2086842-G-C. GRCh37 (hg19) VCF-style: chr16-2136843-G-C.
Other names: c.4759G>C, p.Gly1587Arg (NM_001077183.3); c.4891G>C, p.Gly1631Arg (NM_001114382.3); c.4651G>C, p.Gly1551Arg (NM_001318827.2); c.4615G>C, p.Gly1539Arg (NM_001318829.2); c.4228G>C, p.Gly1410Arg (NM_001318831.2); c.4792G>C, p.Gly1598Arg (NM_001318832.2); c.4762G>C, p.Gly1588Arg (NM_001363528.2); c.4828G>C, p.Gly1610Arg (NM_001370404.1); and 26 more; short protein forms G1139R, G1162R, G1183R, G1431R, G1550R, G1568R, G1594R, G1618R.
Identifiers: ClinVar variation 2883066 (VCV002883066.3), dbSNP rs771911660, ClinGen allele CA394308939.
Genomic context (GRCh38, chr16:2,086,842, plus strand): 5'-CGCTGCGACAAGAAGCGCCACCTGGGCAACGACTTTGTGTCCATTGTCTACAATGACTCC[G>C]GTGAGGACTTCAAGCTTGGCACCATCAAGGTGAGTGAGGGGCCGTCAGTGAGGCTGGGCC-3'
Protein context (NP_000539.2, residues 1644-1664): DFVSIVYNDS[Gly1654Arg]EDFKLGTIKG